The following is an entry in ClinVar:

NM_020988.3(GNAO1):c.143C>A (p.Thr48Asn)

Gene: GNAO1 (G protein subunit alpha o1; plus strand). Cytogenetic location: 16q13.
Variant type: single nucleotide variant.
Coding change: c.143C>A on transcript NM_020988.3 (MANE Select); coding-DNA position 143, C replaced by A.
Protein change: p.Thr48Asn; replaces threonine 48 with asparagine.
Molecular consequence: missense variant.
Genome position (GRCh38, 1-based): chr16:56,192,598, C>A. VCF-style: chr16-56192598-C-A. GRCh37 (hg19) VCF-style: chr16-56226510-C-A.
Other names: c.143C>A, p.Thr48Asn (NM_138736.3); short protein forms T48N.
Identifiers: ClinVar variation 803255 (VCV000803255.6), dbSNP rs1555499800, ClinGen allele CA396128619.

ClinVar aggregate classification (germline): Likely pathogenic. Review status: criteria provided, multiple submitters, no conflicts (2 of 4 stars). 2 submissions from 2 submitters: Likely pathogenic (2). Last evaluated 2022-08-13.

Conditions:
Early-infantile DEE. Also called: Early infantile epileptic encephalopathy; Early infantile epileptic encephalopathy with suppression bursts; Ohtahara syndrome. Identifiers: Orphanet 1934, MedGen C0393706, MONDO:0800491.
Developmental and epileptic encephalopathy, 17 (DEE17). Also called: Early infantile epileptic encephalopathy 17. Identifiers: Orphanet 1934, MedGen C3809606, MONDO:0014199, OMIM 615473.

Submissions (2):

Labcorp Genetics (formerly Invitae), Labcorp
Classification: Likely pathogenic for Early-infantile DEE. Last evaluated: 2022-08-13. Review status: criteria provided, single submitter. Criteria: Invitae Variant Classification Sherloc (09022015). Collection method: clinical testing. Allele origin: germline.
Comment: In summary, the currently available evidence indicates that the variant is pathogenic, but additional data are needed to prove that conclusively. Therefore, this variant has been classified as Likely Pathogenic. This variant disrupts the p.Thr48 amino acid residue in GNAO1. Other variant(s) that disrupt this residue have been determined to be pathogenic (Invitae). This suggests that this residue is clinically significant, and that variants that disrupt this residue are likely to be disease-causing. Advanced modeling of protein sequence and biophysical properties (such as structural, functional, and spatial information, amino acid conservation, physicochemical variation, residue mobility, and thermodynamic stability) performed at Invitae indicates that this missense variant is expected to disrupt GNAO1 protein function. ClinVar contains an entry for this variant (Variation ID: 803255). This variant has not been reported in the literature in individuals affected with GNAO1-related conditions. This variant is not present in population databases (gnomAD no frequency). This sequence change replaces threonine, which is neutral and polar, with asparagine, which is neutral and polar, at codon 48 of the GNAO1 protein (p.Thr48Asn).

Mendelics
Classification: Likely pathogenic for Developmental and epileptic encephalopathy, 17. Last evaluated: 2019-05-28. Review status: criteria provided, single submitter. Criteria: Mendelics Assertion Criteria 2017. Collection method: clinical testing. Allele origin: unknown.